The following is an entry in ClinVar:

ClinVar aggregate classification (germline): Likely pathogenic (1 of 4 stars; one submission).

Conditions:
Severe combined immunodeficiency, autosomal recessive, T cell-negative, B cell-negative, NK cell-positive. Also called: SCID, AR, T-cell negative, B-cell negative, NK cell-positive; SCID, T CELL-NEGATIVE, B CELL-NEGATIVE, NK CELL-POSITIVE; Severe combined immunodeficiency due to complete RAG1/2 deficiency. Identifiers: Orphanet 331206, MedGen C1832322, MONDO:0011086, OMIM 601457.
Combined immunodeficiency with skin granulomas. Identifiers: Orphanet 157949, MedGen C2673536, MONDO:0009306, OMIM 233650.

Allele frequency attached by ClinVar (database versions not stated): gnomAD exomes below 0.00001.
gnomAD v4.1: 1 of 1,613,974 alleles (0.000062%); highest among the groups gnomAD compares: Non-Finnish European, 0.000085%; no homozygotes.

Submission:

Labcorp Genetics (formerly Invitae), Labcorp
Classification: Likely pathogenic for Combined immunodeficiency with skin granulomas; Severe combined immunodeficiency, autosomal recessive, T cell-negative, B cell-negative, NK cell-positive. Last evaluated: 2024-07-29. Review status: criteria provided, single submitter. Criteria: Invitae Variant Classification Sherloc (09022015). Collection method: clinical testing. Allele origin: germline.
Comment: This sequence change replaces phenylalanine, which is neutral and non-polar, with serine, which is neutral and polar, at codon 927 of the RAG1 protein (p.Phe927Ser). This variant is present in population databases (no rsID available, gnomAD 0.0009%). This missense change has been observed in individual(s) with severe combined immunodeficiency (PMID: 34664192). In at least one individual the data is consistent with being in trans (on the opposite chromosome) from a pathogenic variant. Advanced modeling of protein sequence and biophysical properties (such as structural, functional, and spatial information, amino acid conservation, physicochemical variation, residue mobility, and thermodynamic stability) has been performed at Invitae for this missense variant, however the output from this modeling did not meet the statistical confidence thresholds required to predict the impact of this variant on RAG1 protein function. In summary, the currently available evidence indicates that the variant is pathogenic, but additional data are needed to prove that conclusively. Therefore, this variant has been classified as Likely Pathogenic.

Literature cited by the submitters: PubMed 34664192.

NM_000448.3(RAG1):c.2780T>C (p.Phe927Ser)

Gene: RAG1 (recombination activating 1; plus strand). Cytogenetic location: 11p12.
Variant type: single nucleotide variant.
Coding change: c.2780T>C on transcript NM_000448.3 (MANE Select); coding-DNA position 2780, T replaced by C.
Protein change: p.Phe927Ser; replaces phenylalanine 927 with serine.
Molecular consequence: missense variant.
Genome position (GRCh38, 1-based): chr11:36,576,084, T>C. VCF-style: chr11-36576084-T-C. GRCh37 (hg19) VCF-style: chr11-36597634-T-C.
Other names: c.2780T>C, p.Phe927Ser (NM_001377277.1, NM_001377278.1, NM_001377279.1 and 1 more transcripts); short protein forms F927S.
Identifiers: ClinVar variation 2951355 (VCV002951355.3), dbSNP rs1249862287, ClinGen allele CA380135290.